The following is an entry in ClinVar:

ClinVar aggregate classification (germline): Likely benign. Review status: criteria provided, multiple submitters, no conflicts (2 of 4 stars). 7 submissions from 7 submitters: Likely benign (7). Last evaluated 2026-06-01.

Conditions:
Inborn genetic diseases. Identifiers: MedGen C0950123, MeSH D030342.
CHD8-related disorder. Also called: CHD8-related disorders; CHD8-related condition.

Allele frequency attached by ClinVar (database versions not stated): gnomAD 0.00011 and 0.00013; TOPMed 0.00016; gnomAD exomes 0.00022; ExAC 0.00028; ESP Exome Variant Server 0.00033.
gnomAD v4.1: 344 of 1,613,510 alleles (0.021%); highest among the groups gnomAD compares: Admixed American, 0.028%; no homozygotes.

Submissions (7):

CeGaT Center for Human Genetics Tuebingen
Classification: Likely benign. Last evaluated: 2026-06-01. Review status: criteria provided, single submitter. Criteria: CeGaT Center For Human Genetics Tuebingen Variant Classification Criteria Version 2. Collection method: clinical testing. Allele origin: germline. Affected: yes. Observed: 2 variant alleles.
Comment: CHD8: BS2

PreventionGenetics, part of Exact Sciences
Classification: Likely benign for CHD8-related condition. Last evaluated: 2026-04-26. Review status: criteria provided, single submitter. Criteria: ACMG Guidelines, 2015. Collection method: clinical testing. Allele origin: germline.
Comment: This variant is classified as likely benign based on ACMG/AMP sequence variant interpretation guidelines (Richards et al. 2015 PMID: 25741868, with internal and published modifications).

Labcorp Genetics (formerly Invitae), Labcorp
Classification: Likely benign. Last evaluated: 2025-07-01. Review status: criteria provided, single submitter. Criteria: Invitae Variant Classification Sherloc (09022015). Collection method: clinical testing. Allele origin: germline.

Ambry Genetics
Classification: Likely benign for Inborn genetic diseases. Last evaluated: 2024-03-15. Review status: criteria provided, single submitter. Criteria: Ambry Variant Classification Scheme 2023. Collection method: clinical testing. Allele origin: germline.

Blueprint Genetics
Classification: Likely benign. Last evaluated: 2023-11-13. Review status: criteria provided, single submitter. Criteria: ACMG Guidelines, 2015. Collection method: clinical testing. Allele origin: germline.

GeneDx
Classification: Likely benign. Last evaluated: 2020-11-09. Review status: criteria provided, single submitter. Criteria: GeneDx Variant Classification Process June 2021. Collection method: clinical testing. Allele origin: germline. Affected: yes.

Breakthrough Genomics
Classification: Likely benign. Review status: criteria provided, single submitter. Criteria: ACMG Guidelines, 2015. Collection method: not provided. Allele origin: germline. Inheritance: Autosomal dominant inheritance. Affected: yes.

NM_001170629.2(CHD8):c.5683C>T (p.Arg1895Cys)

Gene: CHD8 (chromodomain helicase DNA binding protein 8; minus strand). Cytogenetic location: 14q11.2.
Variant type: single nucleotide variant.
Coding change: c.5683C>T on transcript NM_001170629.2 (MANE Select); coding-DNA position 5683, C replaced by T.
Protein change: p.Arg1895Cys; replaces arginine 1895 with cysteine.
Molecular consequence: missense variant.
Genome position (GRCh38, 1-based): chr14:21,394,112, G>A on the plus strand (C>T on the coding strand, the complement: CHD8 is on the minus strand). VCF-style: chr14-21394112-G-A. GRCh37 (hg19) VCF-style: chr14-21862271-G-A.
Other names: c.4846C>T, p.Arg1616Cys (NM_020920.4); short protein forms R1616C, R1895C.
Identifiers: ClinVar variation 1194929 (VCV001194929.21), dbSNP rs200514547, ClinGen allele CA7090903.